The following is an entry in ClinVar:

NM_003200.5(TCF3):c.1781A>T (p.Gln594Leu)

Gene: TCF3 (transcription factor 3; minus strand). Cytogenetic location: 19p13.3.
Variant type: single nucleotide variant.
Coding change: c.1781A>T on transcript NM_003200.5 (MANE Select); coding-DNA position 1781, A replaced by T.
Protein change: p.Gln594Leu; replaces glutamine 594 with leucine.
Molecular consequence: missense variant. On other transcripts: intron variant (2).
Genome position (GRCh38, 1-based): chr19:1,615,326, T>A on the plus strand (A>T on the coding strand, the complement: TCF3 is on the minus strand). VCF-style: chr19-1615326-T-A. GRCh37 (hg19) VCF-style: chr19-1615325-T-A.
Other names: c.1778A>T, p.Gln593Leu (NM_001351778.2); c.1586+360A>T (NM_001136139.4, NM_001351779.2); short protein forms Q593L, Q594L.
Identifiers: ClinVar variation 1690974 (VCV001690974.2), dbSNP rs1186803096, ClinGen allele CA403050175.

ClinVar aggregate classification (germline): Uncertain significance (1 of 4 stars; one submission).

Submission:

Laboratorio de Genetica e Diagnostico Molecular, Hospital Israelita Albert Einstein
Classification: Uncertain significance. Last evaluated: 2020-11-06. Review status: criteria provided, single submitter. Criteria: ACMG Guidelines, 2015. Collection method: clinical testing. Allele origin: germline. Affected: yes.
Comment: ACMG classification criteria: PM2, PP3